The following is an entry in ClinVar:

NM_001387263.1(PATL2):c.88G>T (p.Glu30Ter)

Gene: PATL2 (PAT1 homolog 2; minus strand). Cytogenetic location: 15q21.1.
Variant type: single nucleotide variant.
Coding change: c.88G>T on transcript NM_001387263.1 (MANE Select); coding-DNA position 88, G replaced by T.
Protein change: p.Glu30Ter; replaces glutamic acid 30 with a stop codon.
Molecular consequence: nonsense. On other transcripts: intron variant (1).
Genome position (GRCh38, 1-based): chr15:44,675,620, C>A on the plus strand (G>T on the coding strand, the complement: PATL2 is on the minus strand). VCF-style: chr15-44675620-C-A. GRCh37 (hg19) VCF-style: chr15-44967818-C-A.
Other names: c.88G>T, p.Glu30Ter (NM_001145112.2, NM_001387260.1, NM_001387261.1 and 2 more transcripts); c.-467+855G>T (NM_001330283.2); short protein forms E30*.
Identifiers: ClinVar variation 5019779 (VCV005019779.1).

ClinVar aggregate classification (germline): Pathogenic (1 of 4 stars; one submission).

Conditions:
Oocyte maturation defect 4. Also called: OOCYTE/ZYGOTE/EMBRYO MATURATION ARREST 4. Identifiers: MedGen C4540284, MONDO:0021575, OMIM 617743.

Submission:

Juno Genomics, Hangzhou Juno Genomics, Inc
Classification: Pathogenic for Oocyte maturation defect 4. Review status: criteria provided, single submitter. Criteria: ACMG Guidelines, 2015. Collection method: clinical testing. Allele origin: germline. Affected: yes.
Comment: Absent from controls (or at extremely low frequency if recessive) in Genome Aggregation Database.;Null variant in a gene where loss of function (LOF) is a known mechanism of disease.;For recessive disorders, detected in trans with a pathogenic variant.;Patient's phenotype or family history is highly specific for a disease with a single genetic etiology.